The following is an entry in ClinVar:

ClinVar aggregate classification (germline): Pathogenic. Review status: criteria provided, multiple submitters, no conflicts (2 of 4 stars). 2 submissions from 2 submitters: Pathogenic (2). Last evaluated 2021-04-09.

Conditions:
Hereditary cancer-predisposing syndrome. Also called: Neoplastic Syndromes, Hereditary; Hereditary Cancer Syndrome; Tumor predisposition; Hereditary neoplastic syndrome. Identifiers: Orphanet 140162, MedGen C0027672, MeSH D009386, MONDO:0015356.

Submissions (2):

Ambry Genetics
Classification: Pathogenic for Hereditary cancer-predisposing syndrome. Last evaluated: 2021-04-09. Review status: criteria provided, single submitter. Criteria: Ambry Variant Classification Scheme 2023. Collection method: clinical testing. Allele origin: germline.
Comment: The c.379dupA pathogenic mutation, located in coding exon 4 of the SDHB gene, results from a duplication of A at nucleotide position 379, causing a translational frameshift with a predicted alternate stop codon (p.I127Nfs*28). This mutation has been detected in multiple individuals with paraganglioma-pheochromocytoma (PGL-PCC) syndrome (Ricketts CJ et al. Hum Mutat, 2010 Jan;31:41-51; Daniel E et al. Eur J Endocrinol, 2016 Dec;175:561-570; Andrews KA et al. J Med Genet, 2018 06;55:384-394). In addition to the clinical data presented in the literature, this alteration is expected to result in loss of function by premature protein truncation or nonsense-mediated mRNA decay. As such, this alteration is interpreted as a disease-causing mutation.

GeneDx
Classification: Pathogenic. Last evaluated: 2017-03-16. Review status: criteria provided, single submitter. Criteria: GeneDx Variant Classification (06012015). Collection method: clinical testing. Allele origin: germline. Affected: yes.
Comment: This duplication of one nucleotide in SDHB is denoted c.379dupA at the cDNA level and p.Ile127AsnfsX28 (I127NfsX28) at the protein level. The normal sequence, with the base that is duplicated in brackets, is CAAAA[dupA]TCTA. The duplication causes a frameshift which changes an Isoleucine to an Asparagine at codon 127, and creates a premature stop codon at position 28 of the new reading frame. This variant is predicted to cause loss of normal protein function through either protein truncation or nonsense-mediated mRNA decay. SDHB c.379dupA has been reported in multiple individuals with paragangliomas, including those with early-onset, multiple, and/or malignant tumors (Ricketts 2010, Daniel 2016, Wang 2016). We consider this variant to be pathogenic.

Literature cited by the submitters: PubMed 19802898 (cited by Ambry Genetics); PubMed 27634942 (cited by Ambry Genetics); PubMed 29386252 (cited by Ambry Genetics).

NM_003000.3(SDHB):c.379dup (p.Ile127fs)

Gene: SDHB (succinate dehydrogenase complex iron sulfur subunit B; minus strand). Cytogenetic location: 1p36.13.
Variant type: Duplication.
Coding change: c.379dup on transcript NM_003000.3 (MANE Select); coding-DNA position 379, one base duplicated (A; older notation c.379dupA).
Protein change: p.Ile127fs; shifts the reading frame from isoleucine 127.
Molecular consequence: frameshift variant.
Genome position (GRCh38, 1-based): chr1:17,028,644, T duplicated on the plus strand (A on the coding strand, the reverse complement: SDHB is on the minus strand); the first of 5 consecutive T bases (chr1:17,028,644-17,028,648); duplicating any one gives the same sequence. VCF-style (leftmost placement, unchanged base first): chr1-17028643-A-AT. GRCh37 (hg19) VCF-style: chr1-17355138-A-AT.
Other names: c.379dupA (NM_003000.2); short protein forms I127fs.
Identifiers: ClinVar variation 545743 (VCV000545743.4), dbSNP rs1553177741, ClinGen allele CA658655535.